The following is an entry in ClinVar:

NM_001379270.1(CNGA1):c.234C>A (p.Tyr78Ter)

Genes: CNGA1 (cyclic nucleotide gated channel subunit alpha 1; minus strand), LOC101927157 (uncharacterized LOC101927157; plus strand). Cytogenetic location: 4p12.
Variant type: single nucleotide variant.
Coding change: c.234C>A on transcript NM_001379270.1 (MANE Select); coding-DNA position 234, C replaced by A.
Protein change: p.Tyr78Ter; replaces tyrosine 78 with a stop codon.
Molecular consequence: nonsense.
Genome position (GRCh38, 1-based): chr4:47,949,886, G>T on the plus strand (C>A on the coding strand, the complement: CNGA1 is on the minus strand). VCF-style: chr4-47949886-G-T. GRCh37 (hg19) VCF-style: chr4-47951903-G-T.
Other names: c.234C>A, p.Tyr78Ter (NM_000087.5, NM_001142564.2); c.246C>A (NM_000087.3); short protein forms Y78*.
Identifiers: ClinVar variation 1297149 (VCV001297149.8), dbSNP rs1436425494, ClinGen allele CA356834547.

ClinVar aggregate classification (germline): Pathogenic/Likely pathogenic. Review status: criteria provided, multiple submitters, no conflicts (2 of 4 stars). 5 submissions from 5 submitters: Pathogenic (2); Likely pathogenic (2). 1 of the submissions does not count toward it. Last evaluated 2025-12-28.

Conditions:
Retinitis pigmentosa (RP). Identifiers: Orphanet 791, MedGen C0035334, MeSH D012174, MONDO:0019200, OMIM 268000. Inheritance: Autosomal dominant, autosomal recessive and X linked inheritance.
CNGA1-related disorder. Also called: CNGA1-related condition.
Retinitis pigmentosa 49 (RP49). Identifiers: Orphanet 791, MedGen C3151059, MONDO:0013405, OMIM 613756.

Allele frequency attached by ClinVar (database versions not stated): gnomAD exomes below 0.00001.
gnomAD v4.1: 4 of 1,613,900 alleles (0.00025%); highest among the groups gnomAD compares: East Asian, 0.0022%; no homozygotes.

Submissions (5):

Labcorp Genetics (formerly Invitae), Labcorp
Classification: Pathogenic. Last evaluated: 2025-12-28. Review status: criteria provided, single submitter. Criteria: Invitae Variant Classification Sherloc (09022015). Collection method: clinical testing. Allele origin: germline.
Comment: This sequence change creates a premature translational stop signal (p.Tyr82*) in the CNGA1 gene. It is expected to result in an absent or disrupted protein product. Loss-of-function variants in CNGA1 are known to be pathogenic (PMID: 7479749, 25268133). This variant is present in population databases (no rsID available, gnomAD 0.006%). This premature translational stop signal has been observed in individual(s) with retinitis pigmentosa (PMID: 27391953). ClinVar contains an entry for this variant (Variation ID: 1297149). For these reasons, this variant has been classified as Pathogenic.

SingHealth Duke-NUS Institute of Precision Medicine
Classification: Likely pathogenic for Retinitis pigmentosa 49. Last evaluated: 2025-02-05. Review status: criteria provided, single submitter. Criteria: PRISM ACMG Classification Criteria. Collection method: clinical testing. Allele origin: germline. Affected: yes.
Comment: Cryptic splice variant is predicted to cause LOF (PVS1). Variant is not found in gnomAD exomes or genomes (PM2)

GeneDx
Classification: Pathogenic. Last evaluated: 2023-04-26. Review status: criteria provided, single submitter. Criteria: GeneDx Variant Classification Process June 2021. Collection method: clinical testing. Allele origin: germline. Affected: yes.
Comment: Nonsense variant predicted to result in protein truncation or nonsense mediated decay in a gene for which loss of function is a known mechanism of disease; Not observed at significant frequency in large population cohorts (gnomAD); Also known as p.(Y151*); This variant is associated with the following publications: (PMID: 34426522, 33781268, 35573004, 27391953)

Broad Center for Mendelian Genomics, Broad Institute of MIT and Harvard
Classification: Likely pathogenic for Retinitis pigmentosa. Last evaluated: 2021-04-01. Review status: criteria provided, single submitter. Criteria: ACMG Guidelines, 2015. Collection method: curation. Allele origin: germline. Inheritance: Autosomal recessive inheritance. Affected: yes.
Comment: Through a review of available evidence we were able to apply the following criteria: PVS1, PM2. Based on this evidence we have classified this variant as Likely Pathogenic. If you have any questions about the classification please reach out to the Pierce Lab.

PreventionGenetics, part of Exact Sciences
Classification: Pathogenic for CNGA1-related condition. Last evaluated: 2024-03-22. Review status: no assertion criteria provided. Collection method: clinical testing. Allele origin: germline. Not counted in ClinVar's aggregate classification.
Comment: The CNGA1 c.246C>A variant is predicted to result in premature protein termination (p.Tyr82*). This variant has been reported in the compound heterozygous state in individuals with retinitis pigmentosa (Wang et al. 2016. PubMed ID: 27391953; reported as Y151X using transcript NM_001142564, Bai et al. 2021. PubMed ID: 33781268). This variant is reported in 0.0056% of alleles in individuals of East Asian descent in gnomAD. Nonsense variants in CNGA1 are expected to be pathogenic. Given all the evidence, we interpret this variant as pathogenic.

Literature cited by the submitters: PubMed 7479749 (cited by Labcorp Genetics (formerly Invitae), Labcorp); PubMed 25268133 (cited by Labcorp Genetics (formerly Invitae), Labcorp); PubMed 27391953 (cited by Labcorp Genetics (formerly Invitae), Labcorp); PubMed 34906470 (cited by Broad Center for Mendelian Genomics, Broad Institute of MIT and Harvard).